The following is an entry in ClinVar:

ClinVar aggregate classification (germline): Pathogenic (1 of 4 stars; one submission).

Submission:

Labcorp Genetics (formerly Invitae), Labcorp
Classification: Pathogenic. Last evaluated: 2025-03-16. Review status: criteria provided, single submitter. Criteria: Invitae Variant Classification Sherloc (09022015). Collection method: clinical testing. Allele origin: germline.
Comment: This sequence change creates a premature translational stop signal (p.Leu195*) in the CEP63 gene. It is expected to result in an absent or disrupted protein product. Loss-of-function variants in CEP63 are known to be pathogenic (PMID: 21983783, 23936128, 26158450). This variant is present in population databases (rs764779299, gnomAD 0.007%). This variant has not been reported in the literature in individuals affected with CEP63-related conditions. For these reasons, this variant has been classified as Pathogenic.

Literature cited by the submitters: PubMed 21983783; PubMed 23936128; PubMed 26158450.

NM_001353108.3(CEP63):c.584T>G (p.Leu195Ter)

Gene: CEP63 (centrosomal protein 63; plus strand). Cytogenetic location: 3q22.2.
Variant type: single nucleotide variant.
Coding change: c.584T>G on transcript NM_001353108.3 (MANE Select); coding-DNA position 584, T replaced by G.
Protein change: p.Leu195Ter; replaces leucine 195 with a stop codon.
Molecular consequence: nonsense. On other transcripts: non-coding transcript variant (4).
Genome position (GRCh38, 1-based): chr3:134,545,614, T>G. VCF-style: chr3-134545614-T-G. GRCh37 (hg19) VCF-style: chr3-134264456-T-G.
Other names: c.611T>G, p.Leu204Ter (NM_001353118.1); c.584T>G, p.Leu195Ter (NM_001353119.2, NM_001353120.2, NM_001353121.2 and 13 more transcripts); c.500T>G, p.Leu167Ter (NM_001353125.2); c.221T>G, p.Leu74Ter (NM_001353126.2); short protein forms L167*, L195*, L204*, L74*.
Identifiers: ClinVar variation 3624126 (VCV003624126.2).
Genomic context (GRCh38, chr3:134,545,614, plus strand): 5'-TTTACCTATTGATTGATAGTCTGTGTTTCTAGGCTCAGCTTGTCAATCGGAAACAGAAAT[T>G]AGAGTCTGTGGAACTTTCTAGCCAATCAGAAATTCAACACTTAAGCAGTAAACTGGAGCG-3'